The following is an entry in ClinVar:

ClinVar aggregate classification (germline): Uncertain significance (1 of 4 stars; one submission).

Conditions:
Dilated cardiomyopathy 1DD (CMD1DD). Identifiers: Orphanet 154, MedGen C2750995, MONDO:0013168, OMIM 613172.

Submission:

Labcorp Genetics (formerly Invitae), Labcorp
Classification: Uncertain significance for Dilated cardiomyopathy 1DD. Last evaluated: 2022-12-02. Review status: criteria provided, single submitter. Criteria: Invitae Variant Classification Sherloc (09022015). Collection method: clinical testing. Allele origin: germline.
Comment: In summary, the available evidence is currently insufficient to determine the role of this variant in disease. Therefore, it has been classified as a Variant of Uncertain Significance. Advanced modeling of protein sequence and biophysical properties (such as structural, functional, and spatial information, amino acid conservation, physicochemical variation, residue mobility, and thermodynamic stability) performed at Invitae indicates that this missense variant is not expected to disrupt RBM20 protein function. This variant has not been reported in the literature in individuals affected with RBM20-related conditions. This variant is not present in population databases (gnomAD no frequency). This sequence change replaces serine, which is neutral and polar, with glycine, which is neutral and non-polar, at codon 1216 of the RBM20 protein (p.Ser1216Gly).

NM_001134363.3(RBM20):c.3646A>G (p.Ser1216Gly)

Gene: RBM20 (RNA binding motif protein 20; plus strand). Cytogenetic location: 10q25.2.
Variant type: single nucleotide variant.
Coding change: c.3646A>G on transcript NM_001134363.3 (MANE Select); coding-DNA position 3646, A replaced by G.
Protein change: p.Ser1216Gly; replaces serine 1216 with glycine.
Molecular consequence: missense variant.
Genome position (GRCh38, 1-based): chr10:110,835,940, A>G. VCF-style: chr10-110835940-A-G. GRCh37 (hg19) VCF-style: chr10-112595698-A-G.
Other names: short protein forms S1216G.
Identifiers: ClinVar variation 2875248 (VCV002875248.3), dbSNP rs1845121491, ClinGen allele CA378388252.